The following is an entry in ClinVar:

NM_000393.5(COL5A2):c.2598A>G (p.Pro866=)

Gene: COL5A2 (collagen type V alpha 2 chain; minus strand). Cytogenetic location: 2q32.2.
Variant type: single nucleotide variant.
Coding change: c.2598A>G on transcript NM_000393.5 (MANE Select); coding-DNA position 2598, A replaced by G.
Protein change: p.Pro866=; no amino-acid change (proline 866 retained).
Molecular consequence: synonymous variant.
Genome position (GRCh38, 1-based): chr2:189,052,974, T>C on the plus strand (A>G on the coding strand, the complement: COL5A2 is on the minus strand). VCF-style: chr2-189052974-T-C. GRCh37 (hg19) VCF-style: chr2-189917700-T-C.
Other names: c.2598A>G (NM_000393.4, NM_000393.3).
Identifiers: ClinVar variation 1590198 (VCV001590198.10), dbSNP rs757721541, ClinGen allele CA2022260.

ClinVar aggregate classification (germline): Likely benign. Review status: criteria provided, multiple submitters, no conflicts (2 of 4 stars). 3 submissions from 3 submitters: Likely benign (2). 1 of the submissions does not count toward it. Last evaluated 2024-04-08.

Conditions:
Ehlers-Danlos syndrome, classic type, 1 (EDSCL1). Also called: EDS I; Ehlers-Danlos syndrome, type 1; EHLERS-DANLOS SYNDROME, GRAVIS TYPE; EHLERS-DANLOS SYNDROME, SEVERE CLASSIC TYPE; Ehlers-Danlos Syndrome, Classic Type, COL5A1-Related. Identifiers: MedGen C0268335, MONDO:0019567, OMIM 130000.
COL5A2-related disorder. Also called: COL5A2-related condition.
Familial thoracic aortic aneurysm and aortic dissection (TAAD). Also called: Thoracic aortic aneurysms and dissections. Identifiers: Orphanet 91387, MedGen C4707243, MONDO:0019625.

Allele frequency attached by ClinVar (database versions not stated): gnomAD exomes below 0.00001; ExAC 0.00001.
gnomAD v4.1: 1 of 1,614,212 alleles (0.000062%); highest among the groups gnomAD compares: Non-Finnish European, 0.000085%; no homozygotes.

Submissions (3):

Ambry Genetics
Classification: Likely benign for Familial thoracic aortic aneurysm and aortic dissection. Last evaluated: 2024-04-08. Review status: criteria provided, single submitter. Criteria: Ambry Variant Classification Scheme 2023. Collection method: clinical testing. Allele origin: germline.

Labcorp Genetics (formerly Invitae), Labcorp
Classification: Likely benign for Ehlers-Danlos syndrome, classic type, 1. Last evaluated: 2023-05-25. Review status: criteria provided, single submitter. Criteria: Invitae Variant Classification Sherloc (09022015). Collection method: clinical testing. Allele origin: germline.

PreventionGenetics, part of Exact Sciences
Classification: Likely benign for COL5A2-related condition. Last evaluated: 2024-05-24. Review status: no assertion criteria provided. Collection method: clinical testing. Allele origin: germline. Not counted in ClinVar's aggregate classification.
Comment: This variant is classified as likely benign based on ACMG/AMP sequence variant interpretation guidelines (Richards et al. 2015 PMID: 25741868, with internal and published modifications).